The following is an entry in ClinVar:

ClinVar aggregate classification (germline): Uncertain significance (1 of 4 stars; one submission).

Conditions:
Deficiency of alpha-mannosidase (MANSA). Also called: LYSOSOMAL ALPHA-D-MANNOSIDASE DEFICIENCY; Mannosidosis, alpha-, types I and II; Alpha-Mannosidosis. Identifiers: Orphanet 61, MedGen C0024748, MONDO:0009561, OMIM 248500.

Allele frequency attached by ClinVar (database versions not stated): gnomAD 0.00001; TOPMed 0.00002; gnomAD exomes 0.00004.
gnomAD v4.1: 54 of 1,613,832 alleles (0.0033%); highest among the groups gnomAD compares: South Asian, 0.0066%; 1 homozygote.

Submission:

Labcorp Genetics (formerly Invitae), Labcorp
Classification: Uncertain significance for Deficiency of alpha-mannosidase. Last evaluated: 2022-07-23. Review status: criteria provided, single submitter. Criteria: Invitae Variant Classification Sherloc (09022015). Collection method: clinical testing. Allele origin: germline.
Comment: This sequence change replaces alanine, which is neutral and non-polar, with threonine, which is neutral and polar, at codon 646 of the MAN2B1 protein (p.Ala646Thr). This variant is present in population databases (rs148661421, gnomAD 0.01%). This variant has not been reported in the literature in individuals affected with MAN2B1-related conditions. Algorithms developed to predict the effect of missense changes on protein structure and function are either unavailable or do not agree on the potential impact of this missense change (SIFT: "Tolerated"; PolyPhen-2: "Possibly Damaging"; Align-GVGD: "Class C0"). In summary, the available evidence is currently insufficient to determine the role of this variant in disease. Therefore, it has been classified as a Variant of Uncertain Significance.

NM_000528.4(MAN2B1):c.1936G>A (p.Ala646Thr)

Gene: MAN2B1 (mannosidase alpha class 2B member 1; minus strand). Cytogenetic location: 19p13.13.
Variant type: single nucleotide variant.
Coding change: c.1936G>A on transcript NM_000528.4 (MANE Select); coding-DNA position 1936, G replaced by A.
Protein change: p.Ala646Thr; replaces alanine 646 with threonine.
Molecular consequence: missense variant.
Genome position (GRCh38, 1-based): chr19:12,652,263, C>T on the plus strand (G>A on the coding strand, the complement: MAN2B1 is on the minus strand). VCF-style: chr19-12652263-C-T. GRCh37 (hg19) VCF-style: chr19-12763077-C-T.
Other names: c.1933G>A, p.Ala645Thr (NM_001173498.2); short protein forms A645T, A646T.
Identifiers: ClinVar variation 2198945 (VCV002198945.1), dbSNP rs148661421, ClinGen allele CA9226255.
Genomic context (GRCh38, chr19:12,652,263, plus strand): 5'-GGTTGGGTCTGAAGATGTAGGCACCTGAGGCCTGGTCACTTTCGTTGTCACCTATACTGG[C>T]GTTGTACCTGGAGTTGGGGCAGGTGAGAGTCAGGTAAGGGGCCCTAGCTCCATGCCGAGC-3'
Protein context (NP_000519.2, residues 636-656): PVRQTFFWYN[Ala646Thr]SIGDNESDQA